The following is an entry in ClinVar:

ClinVar aggregate classification (germline): Benign/Likely benign. Review status: criteria provided, multiple submitters, no conflicts (2 of 4 stars). 2 submissions from 2 submitters: Benign (1); Likely benign (1). Last evaluated 2024-12-31.

Conditions:
Hereditary cancer-predisposing syndrome. Also called: Hereditary neoplastic syndrome; Hereditary Cancer Syndrome; Neoplastic Syndromes, Hereditary; Tumor predisposition. Identifiers: Orphanet 140162, MedGen C0027672, MeSH D009386, MONDO:0015356.
Lynch syndrome 5 (LYNCH5). Also called: Hereditary non-polyposis colorectal cancer, type 5; Colorectal cancer, hereditary nonpolyposis, type 5. Identifiers: Orphanet 144, MedGen C1833477, MONDO:0013710, OMIM 614350. Disease mechanism: loss of function.

Submissions (2):

Myriad Genetics, Inc.
Classification: Benign for Lynch syndrome 5. Last evaluated: 2024-12-31. Review status: criteria provided, single submitter. Criteria: Myriad Autosomal Dominant, Autosomal Recessive and X-Linked Classification Criteria (2023). Collection method: clinical testing. Allele origin: unknown.
Comment: This variant is considered benign. This variant is a silent/synonymous amino acid change and it is not expected to impact splicing.

Ambry Genetics
Classification: Likely benign for Hereditary cancer-predisposing syndrome. Last evaluated: 2023-03-26. Review status: criteria provided, single submitter. Criteria: Ambry Variant Classification Scheme 2023. Collection method: clinical testing. Allele origin: germline.

NM_000179.3(MSH6):c.2310T>C (p.Gly770=)

Gene: MSH6 (mutS homolog 6; plus strand). Cytogenetic location: 2p16.3.
Variant type: single nucleotide variant.
Coding change: c.2310T>C on transcript NM_000179.3 (MANE Select); coding-DNA position 2310, T replaced by C.
Protein change: p.Gly770=; no amino-acid change (glycine 770 retained).
Molecular consequence: synonymous variant. On other transcripts: non-coding transcript variant (5), splice donor variant (1), intron variant (2).
Genome position (GRCh38, 1-based): chr2:47,800,293, T>C. VCF-style: chr2-47800293-T-C. GRCh37 (hg19) VCF-style: chr2-48027432-T-C.
Other names: c.1920T>C, p.Gly640= (NM_001281492.2); c.1404T>C, p.Gly468= (NM_001281493.2, NM_001281494.2, NM_001406811.1 and 6 more transcripts); c.2406T>C, p.Gly802= (NM_001406795.1, NM_001406802.1); c.2310T>C, p.Gly770= (NM_001406796.1, NM_001406798.1, NM_001406800.1 and 2 more transcripts); c.2013T>C, p.Gly671= (NM_001406797.1, NM_001406801.1, NM_001406805.1 and 10 more transcripts); c.1785T>C, p.Gly595= (NM_001406799.1, NM_001406806.1, NM_001406807.1); c.2232T>C, p.Gly744= (NM_001406804.1); c.2316T>C, p.Gly772= (NM_001406813.1); and 4 more.
Identifiers: ClinVar variation 2567453 (VCV002567453.3), dbSNP rs2530664279, ClinGen allele CA426121449.